The following is an entry in ClinVar:

NM_000038.6(APC):c.531+1317A>T

Gene: APC (APC regulator of WNT signaling pathway; plus strand). Cytogenetic location: 5q22.2.
Variant type: single nucleotide variant.
Coding change: c.531+1317A>T on transcript NM_000038.6 (MANE Select); 1317 bases into the intron after coding-DNA position 531, A replaced by T.
Molecular consequence: intron variant.
Genome position (GRCh38, 1-based): chr5:112,777,054, A>T. VCF-style: chr5-112777054-A-T. GRCh37 (hg19) VCF-style: chr5-112112751-A-T.
Other names: c.531+1317A>T (NM_001354895.2, NM_001127510.3, NM_001354896.2 and 2 more transcripts); c.561+1317A>T (NM_001354897.2, NM_001354902.2, NM_001127511.3); c.456+1317A>T (NM_001354898.2, NM_001354904.2); c.-505+1317A>T (NM_001354906.2); c.354+1317A>T (NM_001354900.2, NM_001354901.2, NM_001354905.2).
Identifiers: ClinVar variation 82918 (VCV000082918.2), dbSNP rs80287587, ClinGen allele CA010067.

ClinVar aggregate classification (germline): other (0 of 4 stars; one submission).

Conditions:
Familial colorectal cancer. Identifiers: MedGen CN280943, MONDO:0023113. Disease mechanism: loss of function.

Submission:

Systems Biology Platform Zhejiang California International NanoSystems Institute
Classification: other for Familial colorectal cancer. Review status: no assertion criteria provided. Collection method: not provided. Allele origin: unknown.
ClinVar note: Converted during submission from cancer to other.